The following is an entry in ClinVar:

NM_033380.3(COL4A5):c.2579G>A (p.Gly860Asp)

Gene: COL4A5 (collagen type IV alpha 5 chain; plus strand). Cytogenetic location: Xq22.3.
Variant type: single nucleotide variant.
Coding change: c.2579G>A on transcript NM_033380.3 (MANE Select); coding-DNA position 2579, G replaced by A.
Protein change: p.Gly860Asp; replaces glycine 860 with aspartic acid.
Molecular consequence: missense variant.
Genome position (GRCh38, 1-based): chrX:108,620,328, G>A. VCF-style: chrX-108620328-G-A. GRCh37 (hg19) VCF-style: chrX-107863558-G-A.
Other names: c.2579G>A, p.Gly860Asp (NM_000495.5); short protein forms G860D.
Identifiers: ClinVar variation 522544 (VCV000522544.4), dbSNP rs1556419831, ClinGen allele CA413851389.

ClinVar aggregate classification (germline): Likely pathogenic. Review status: criteria provided, single submitter (1 of 4 stars). 2 submissions from 2 submitters: Likely pathogenic (1). 1 of the submissions does not count toward it. Last evaluated 2025-05-02.

Conditions:
X-linked Alport syndrome (ATS1). Also called: COL4A5-Related Nephropathy; NEPHROPATHY AND DEAFNESS, X-LINKED. Identifiers: Orphanet 63, Orphanet 88917, MedGen C4746986, MONDO:0010520, OMIM 301050.

Submissions (2):

Labcorp Genetics (formerly Invitae), Labcorp
Classification: Likely pathogenic. Last evaluated: 2025-05-02. Review status: criteria provided, single submitter. Criteria: Invitae Variant Classification Sherloc (09022015). Collection method: clinical testing. Allele origin: germline.
Comment: This sequence change replaces glycine, which is neutral and non-polar, with aspartic acid, which is acidic and polar, at codon 860 of the COL4A5 protein (p.Gly860Asp). This variant is not present in population databases (gnomAD no frequency). This missense change has been observed in individual(s) with Alport syndrome (PMID: 29270492; internal data). ClinVar contains an entry for this variant (Variation ID: 522544). Invitae Evidence Modeling of protein sequence and biophysical properties (such as structural, functional, and spatial information, amino acid conservation, physicochemical variation, residue mobility, and thermodynamic stability) indicates that this missense variant is expected to disrupt COL4A5 protein function with a positive predictive value of 95%. This variant disrupts the triple helix domain of COL4A5. Glycine residues within the Gly-Xaa-Yaa repeats of the triple helix domain are required for the structure and stability of fibrillar collagens (PMID: 7695699, 8218237, 19344236). In COL4A5, missense variants at these glycine residues are significantly enriched in individuals with disease (PMID: 23720012, 27627812) compared to the general population (ExAC). This variant disrupts the p.Gly860 amino acid residue in COL4A5. Other variant(s) that disrupt this residue have been observed in individuals with COL4A5-related conditions (PMID: 20378821), which suggests that this may be a clinically significant amino acid residue. In summary, the currently available evidence indicates that the variant is pathogenic, but additional data are needed to prove that conclusively. Therefore, this variant has been classified as Likely Pathogenic.

Bioscientia Institut fuer Medizinische Diagnostik GmbH, Sonic Healthcare
Classification: Likely pathogenic for X-linked Alport syndrome. Last evaluated: 2017-11-28. Review status: no assertion criteria provided. Collection method: clinical testing. Allele origin: germline. Affected: yes. Not counted in ClinVar's aggregate classification.

Literature cited by the submitters: PubMed 29270492 (cited by Labcorp Genetics (formerly Invitae), Labcorp); PubMed 7695699 (cited by Labcorp Genetics (formerly Invitae), Labcorp); PubMed 8218237 (cited by Labcorp Genetics (formerly Invitae), Labcorp); PubMed 19344236 (cited by Labcorp Genetics (formerly Invitae), Labcorp); PubMed 23720012 (cited by Labcorp Genetics (formerly Invitae), Labcorp); PubMed 27627812 (cited by Labcorp Genetics (formerly Invitae), Labcorp); PubMed 20378821 (cited by Labcorp Genetics (formerly Invitae), Labcorp).